The following is an entry in ClinVar:

NM_001363540.2(DOCK4):c.550-8T>C

Gene: DOCK4 (dedicator of cytokinesis 4; minus strand). Cytogenetic location: 7q31.1.
Variant type: single nucleotide variant.
Coding change: c.550-8T>C on transcript NM_001363540.2 (MANE Select); 8 bases into the intron before coding-DNA position 550, T replaced by C.
Molecular consequence: intron variant.
Genome position (GRCh38, 1-based): chr7:111,977,291, A>G on the plus strand (T>C on the coding strand, the complement: DOCK4 is on the minus strand). VCF-style: chr7-111977291-A-G. GRCh37 (hg19) VCF-style: chr7-111617346-A-G.
Other names: c.550-8T>C (NM_014705.4).
Identifiers: ClinVar variation 724096 (VCV000724096.8), dbSNP rs184941209, ClinGen allele CA4442720.

ClinVar aggregate classification (germline): Benign/Likely benign. Review status: criteria provided, multiple submitters, no conflicts (2 of 4 stars). 2 submissions from 2 submitters: Benign (1); Likely benign (1). Last evaluated 2025-12-01.

Allele frequency attached by ClinVar (database versions not stated): gnomAD exomes 0.00015 and 0.00044; ExAC 0.00100; 1000 Genomes Project 0.00160; gnomAD 0.00174 and 0.00184; 1000 Genomes Project 30x 0.00187; ESP Exome Variant Server 0.00188; TOPMed 0.00222.
gnomAD v4.1: 478 of 1,584,040 alleles (0.03%); highest among the groups gnomAD compares: African/African-American, 0.57%; no homozygotes.

Submissions (2):

CeGaT Center for Human Genetics Tuebingen
Classification: Likely benign. Last evaluated: 2025-12-01. Review status: criteria provided, single submitter. Criteria: CeGaT Center For Human Genetics Tuebingen Variant Classification Criteria Version 2. Collection method: clinical testing. Allele origin: germline. Affected: yes. Observed: 1 variant allele.
Comment: DOCK4: BP4, BS1

Labcorp Genetics (formerly Invitae), Labcorp
Classification: Benign. Last evaluated: 2018-03-29. Review status: criteria provided, single submitter. Criteria: Invitae Variant Classification Sherloc (09022015). Collection method: clinical testing. Allele origin: germline.